The following is an entry in ClinVar:

ClinVar aggregate classification (germline): Likely benign (1 of 4 stars; one submission).

gnomAD v4.1: 53 of 1,178,720 alleles (0.0045%); highest among the groups gnomAD compares: African/African-American, 0.079%; no homozygotes.

Submission:

Dasa
Classification: Likely benign. Last evaluated: 2025-12-30. Review status: criteria provided, single submitter. Criteria: DASA Assertion Criteria. Collection method: clinical testing. Allele origin: germline.
Comment: NM_001363.5(DKC1):c.-20C>T affects a canonical splice site and is predicted to disrupt normal RNA splicing, leading to loss of normal protein function. Loss-of-function is an established mechanism of disease for this gene. Multiple computational predictions suggest no deleterious effect on the gene or gene product. The variant is present at low frequency in population datasets. Based on the available data, this variant is classified as likely benign.

NM_001363.5(DKC1):c.-20C>T

Gene: DKC1 (dyskerin pseudouridine synthase 1; plus strand). Cytogenetic location: Xq28.
Variant type: single nucleotide variant.
Coding change: c.-20C>T on transcript NM_001363.5 (MANE Select); 20 bases upstream of the start codon, C replaced by T.
Molecular consequence: 5 prime UTR variant. On other transcripts: non-coding transcript variant (3).
Genome position (GRCh38, 1-based): chrX:154,762,946, C>T. VCF-style: chrX-154762946-C-T. GRCh37 (hg19) VCF-style: chrX-153991221-C-T.
Other names: c.-20C>T (NM_001142463.3, NM_001288747.2).
Identifiers: ClinVar variation 4851925 (VCV004851925.1).